The following is an entry in ClinVar:

NM_144573.4(NEXN):c.917G>A (p.Arg306His)

Gene: NEXN (nexilin F-actin binding protein; plus strand). Cytogenetic location: 1p31.1.
Variant type: single nucleotide variant.
Coding change: c.917G>A on transcript NM_144573.4 (MANE Select); coding-DNA position 917, G replaced by A.
Protein change: p.Arg306His; replaces arginine 306 with histidine.
Molecular consequence: missense variant.
Genome position (GRCh38, 1-based): chr1:77,929,368, G>A. VCF-style: chr1-77929368-G-A. GRCh37 (hg19) VCF-style: chr1-78395053-G-A.
Other names: c.725G>A, p.Arg242His (NM_001172309.2); short protein forms R242H, R306H.
Identifiers: ClinVar variation 978347 (VCV000978347.12), dbSNP rs758055856, ClinGen allele CA918781.

ClinVar aggregate classification (germline): Uncertain significance. Review status: criteria provided, multiple submitters, no conflicts (2 of 4 stars). 6 submissions from 6 submitters: Uncertain significance (6). Last evaluated 2026-04-22.

Conditions:
Hypertrophic cardiomyopathy 1 (CMH1). Also called: Familial hypertrophic cardiomyopathy 1; MYH7-Related Familial Hypertrophic Cardiomyopathy. Identifiers: MedGen C3495498, MONDO:0008647, OMIM 192600.
NEXN-related disorder. Also called: NEXN-related disorders; NEXN-related condition.
Cardiovascular phenotype. Identifiers: MedGen CN230736.
Hypertrophic cardiomyopathy 20. Identifiers: MedGen C3151267, MONDO:0013477, OMIM 613876.
Dilated cardiomyopathy 1CC (CMD1CC). Identifiers: Orphanet 154, MedGen C2751084, MONDO:0013147, OMIM 613122.
Cardiomyopathy (CMYO). Also called: Cardiomyopathies. Identifiers: Orphanet 167848, MedGen C0878544, MONDO:0004994, HP:0001638. Inheritance: Various modes of inheritance.

Allele frequency attached by ClinVar (database versions not stated): gnomAD 0.00001; TOPMed 0.00002; gnomAD exomes 0.00004 and 0.00007; ExAC 0.00008.

Submissions (6):

PreventionGenetics, part of Exact Sciences
Classification: Uncertain significance for NEXN-related condition. Last evaluated: 2026-04-22. Review status: criteria provided, single submitter. Criteria: ACMG Guidelines, 2015. Collection method: clinical testing. Allele origin: germline.
Comment: The NEXN c.917G>A variant is predicted to result in the amino acid substitution p.Arg306His. This variant has been reported with a pathogenic variant (p.Asn215Ser) in the GLA gene in an individual with Fabry disease-related cardiomyopathy (Frustaci et al. 2016. PubMed ID: 27486136). This variant is reported in 0.029% of alleles in individuals of South Asian descent in gnomAD. At this time, the clinical significance of this variant is uncertain due to the absence of conclusive functional and genetic evidence.

Women's Health and Genetics/Laboratory Corporation of America, LabCorp
Classification: Uncertain significance. Last evaluated: 2026-04-10. Review status: criteria provided, single submitter. Criteria: LabCorp Variant Classification Summary - May 2015. Collection method: clinical testing. Allele origin: germline.
Comment: Variant summary: NEXN c.917G>A (p.Arg306His) results in a non-conservative amino acid change in the encoded protein sequence. Algorithms developed to predict the effect of missense changes on protein structure and function are either unavailable or do not agree on the potential impact of this missense change. The variant allele was found at a frequency of 7.3e-05 in 246684 control chromosomes, predominantly at a frequency of 0.00029 within the South Asian subpopulation in the gnomAD database. The available data on variant occurrences in the general population are insufficient to allow any conclusion about variant significance. c.917G>A has been observed in individual(s) affected with Cardiomyopathy without evidence of cosegregation with disease (e.g. Antheia_2025). These report(s) do not provide unequivocal conclusions about association of the variant with Cardiomyopathy. To our knowledge, no experimental evidence demonstrating an impact on protein function has been reported. The following publication has been ascertained in the context of this evaluation (PMID: 41214182). ClinVar contains an entry for this variant (Variation ID: 978347). Based on the evidence outlined above, the variant was classified as uncertain significance.

Ambry Genetics
Classification: Uncertain significance for Cardiovascular phenotype. Last evaluated: 2023-05-25. Review status: criteria provided, single submitter. Criteria: Ambry Variant Classification Scheme 2023. Collection method: clinical testing. Allele origin: germline.
Comment: The p.R306H variant (also known as c.917G>A), located in coding exon 8 of the NEXN gene, results from a G to A substitution at nucleotide position 917. The arginine at codon 306 is replaced by histidine, an amino acid with highly similar properties. This alteration has been reported in an individual with hypertrophic cardiomyopathy (HCM) who also harbored an alteration in the GLA gene and exhibited reduced alpha galactosidase levels with some findings consistent with Fabry-related cardiomyopathy (Frustaci A et al. Circ Cardiovasc Imaging, 2016 08;9:). This alteration has also been reported in a control cohort (Mazzarotto F et al. Circulation, 2020 Feb;141:387-398). This amino acid position is highly conserved in available vertebrate species; however, histidine is the reference amino acid in other vertebrate species. In addition, this alteration is predicted to be tolerated by in silico analysis. Since supporting evidence is limited at this time, the clinical significance of this alteration remains unclear.

Labcorp Genetics (formerly Invitae), Labcorp
Classification: Uncertain significance for Dilated cardiomyopathy 1CC; Hypertrophic cardiomyopathy 20. Last evaluated: 2022-06-23. Review status: criteria provided, single submitter. Criteria: Invitae Variant Classification Sherloc (09022015). Collection method: clinical testing. Allele origin: germline.
Comment: This variant is present in population databases (rs758055856, gnomAD 0.03%). This sequence change replaces arginine, which is basic and polar, with histidine, which is basic and polar, at codon 306 of the NEXN protein (p.Arg306His). This variant has not been reported in the literature in individuals affected with NEXN-related conditions. In summary, the available evidence is currently insufficient to determine the role of this variant in disease. Therefore, it has been classified as a Variant of Uncertain Significance. Algorithms developed to predict the effect of missense changes on protein structure and function are either unavailable or do not agree on the potential impact of this missense change (SIFT: "Deleterious"; PolyPhen-2: "Benign"; Align-GVGD: "Class C0"). ClinVar contains an entry for this variant (Variation ID: 978347).

CHEO Genetics Diagnostic Laboratory, Children's Hospital of Eastern Ontario
Classification: Uncertain significance for Cardiomyopathy. Last evaluated: 2021-09-02. Review status: criteria provided, single submitter. Criteria: ACMG Guidelines, 2015. Collection method: clinical testing. Allele origin: germline.

Molecular Diagnostic Laboratory for Inherited Cardiovascular Disease, Montreal Heart Institute
Classification: Uncertain significance for Hypertrophic cardiomyopathy 1. Last evaluated: 2019-08-19. Review status: criteria provided, single submitter. Criteria: ACMG Guidelines, 2015. Collection method: clinical testing. Allele origin: germline. Affected: yes.

Literature cited by the submitters: PubMed 41214182 (cited by Women's Health and Genetics/Laboratory Corporation of America, LabCorp); PubMed 27486136 (cited by Ambry Genetics); PubMed 31983221 (cited by Ambry Genetics).